The following is an entry in ClinVar:

NM_000057.4(BLM):c.1020T>A (p.Asp340Glu)

Gene: BLM (BLM RecQ like helicase; plus strand). Cytogenetic location: 15q26.1.
Variant type: single nucleotide variant.
Coding change: c.1020T>A on transcript NM_000057.4 (MANE Select); coding-DNA position 1020, T replaced by A.
Protein change: p.Asp340Glu; replaces aspartic acid 340 with glutamic acid.
Molecular consequence: missense variant. On other transcripts: 5 prime UTR variant (1).
Genome position (GRCh38, 1-based): chr15:90,754,871, T>A. VCF-style: chr15-90754871-T-A. GRCh37 (hg19) VCF-style: chr15-91298101-T-A.
Other names: c.1020T>A, p.Asp340Glu (NM_001287246.2, NM_001287247.2); c.-272T>A (NM_001287248.2); short protein forms D340E.
Identifiers: ClinVar variation 1479076 (VCV001479076.8), dbSNP rs2151152205, ClinGen allele CA393842114.
Genomic context (GRCh38, chr15:90,754,871, plus strand): 5'-TACGTTAAAGGACCTTGACACCTCTGACAGAAAAGAGGATGTTCTTAGCACATCAAAAGA[T>A]CTTTTGTCAAAACCTGAGAAAATGAGTATGCAGGAGCTGAATCCAGAAACCAGCACAGAC-3'
Protein context (NP_000048.1, residues 330-350): RKEDVLSTSK[Asp340Glu]LLSKPEKMSM

ClinVar aggregate classification (germline): Uncertain significance (1 of 4 stars; one submission).

Conditions:
Bloom syndrome (BLM). Also called: Bloom-Torre-Machacek syndrome. Identifiers: Orphanet 125, MedGen C0005859, MONDO:0008876, OMIM 210900.

Submission:

Labcorp Genetics (formerly Invitae), Labcorp
Classification: Uncertain significance for Bloom syndrome. Last evaluated: 2021-05-07. Review status: criteria provided, single submitter. Criteria: Invitae Variant Classification Sherloc (09022015). Collection method: clinical testing. Allele origin: germline.
Comment: This variant is not present in population databases (ExAC no frequency). In summary, the available evidence is currently insufficient to determine the role of this variant in disease. Therefore, it has been classified as a Variant of Uncertain Significance. Algorithms developed to predict the effect of missense changes on protein structure and function (SIFT, PolyPhen-2, Align-GVGD) all suggest that this variant is likely to be tolerated, but these predictions have not been confirmed by published functional studies and their clinical significance is uncertain. This variant has not been reported in the literature in individuals with BLM-related conditions. This sequence change replaces aspartic acid with glutamic acid at codon 340 of the BLM protein (p.Asp340Glu). The aspartic acid residue is weakly conserved and there is a small physicochemical difference between aspartic acid and glutamic acid.